The following is an entry in ClinVar:

NM_000051.4(ATM):c.663-14T>G

Gene: ATM (ATM serine/threonine kinase; plus strand). Cytogenetic location: 11q22.3.
Variant type: single nucleotide variant.
Coding change: c.663-14T>G on transcript NM_000051.4 (MANE Select); 14 bases into the intron before coding-DNA position 663, T replaced by G.
Molecular consequence: intron variant.
Genome position (GRCh38, 1-based): chr11:108,244,774, T>G. VCF-style: chr11-108244774-T-G. GRCh37 (hg19) VCF-style: chr11-108115501-T-G.
Other names: c.663-14T>G (NM_001351834.2).
Identifiers: ClinVar variation 2773993 (VCV002773993.2), dbSNP rs2497145935, ClinGen allele CA2574970559.

ClinVar aggregate classification (germline): Uncertain significance (1 of 4 stars; one submission).

Conditions:
Hereditary cancer-predisposing syndrome. Also called: Hereditary neoplastic syndrome; Hereditary Cancer Syndrome; Neoplastic Syndromes, Hereditary; Tumor predisposition. Identifiers: Orphanet 140162, MedGen C0027672, MeSH D009386, MONDO:0015356.

Allele frequency attached by ClinVar (database versions not stated): gnomAD exomes 0.00001.
gnomAD v4.1: 9 of 1,595,000 alleles (0.00056%); highest among the groups gnomAD compares: Non-Finnish European, 0.00077%; no homozygotes.

Submission:

Color Diagnostics, LLC DBA Color Health
Classification: Uncertain significance for Hereditary cancer-predisposing syndrome. Last evaluated: 2023-08-18. Review status: criteria provided, single submitter. Criteria: ACMG Guidelines, 2015. Collection method: clinical testing. Allele origin: germline.
Comment: This variant causes a T to G nucleotide substitution at the -14 position of intron 6 of the ATM gene. To our knowledge, functional studies have not been reported for this variant. This variant has not been reported in individuals affected with ATM-related disorders in the literature. This variant has not been identified in the general population by the Genome Aggregation Database (gnomAD). The available evidence is insufficient to determine the role of this variant in disease conclusively. Therefore, this variant is classified as a Variant of Uncertain Significance.